The following is an entry in ClinVar:

ClinVar aggregate classification (germline): Uncertain significance. Review status: criteria provided, multiple submitters, no conflicts (2 of 4 stars). 2 submissions from 2 submitters: Uncertain significance (2). Last evaluated 2025-06-05.

Conditions:
TTN-related disorder. Also called: TTN-related condition; TTN-related disease; TTN-related disorders.

Allele frequency attached by ClinVar (database versions not stated): ExAC 0.00001; gnomAD 0.00001; gnomAD exomes 0.00001.
gnomAD v4.1: 14 of 1,609,102 alleles (0.00087%); highest among the groups gnomAD compares: Middle Eastern, 0.017%; no homozygotes.

Submissions (2):

PreventionGenetics, part of Exact Sciences
Classification: Uncertain significance for TTN-related condition. Last evaluated: 2025-06-05. Review status: criteria provided, single submitter. Criteria: ACMG Guidelines, 2015. Collection method: clinical testing. Allele origin: germline.
Comment: The TTN c.64100C>T variant is predicted to result in the amino acid substitution p.Pro21367Leu. To our knowledge, this variant has not been reported in the literature. This variant is reported in 0.015% of alleles in individuals of Latino descent in gnomAD. At this time, the clinical significance of this variant is uncertain due to the absence of conclusive functional and genetic evidence.

Revvity Omics, Revvity
Classification: Uncertain significance. Last evaluated: 2019-03-01. Review status: criteria provided, single submitter. Criteria: ACMG Guidelines, 2015. Collection method: clinical testing. Allele origin: germline.

NM_001267550.2(TTN):c.64100C>T (p.Pro21367Leu)

Genes: TTN (titin; minus strand), TTN-AS1 (TTN antisense RNA 1; plus strand). Cytogenetic location: 2q31.2.
Variant type: single nucleotide variant.
Coding change: c.64100C>T on transcript NM_001267550.2 (MANE Select); coding-DNA position 64100, C replaced by T.
Protein change: p.Pro21367Leu; replaces proline 21367 with leucine.
Molecular consequence: missense variant.
Genome position (GRCh38, 1-based): chr2:178,586,801, G>A on the plus strand (C>T on the coding strand, the complement: TTN is on the minus strand). VCF-style: chr2-178586801-G-A. GRCh37 (hg19) VCF-style: chr2-179451528-G-A.
Other names: c.59177C>T, p.Pro19726Leu (NM_001256850.1); c.36905C>T, p.Pro12302Leu (NM_003319.4); c.56396C>T, p.Pro18799Leu (NM_133378.4); c.37280C>T, p.Pro12427Leu (NM_133432.3); c.37481C>T, p.Pro12494Leu (NM_133437.4); short protein forms P12302L, P12427L, P12494L, P18799L, P19726L, P21367L.
Identifiers: ClinVar variation 2437874 (VCV002437874.4), dbSNP rs754581725, ClinGen allele CA1991952.
Genomic context (GRCh38, chr2:178,586,801, plus strand): 5'-CAGGCTAAGGTGGCACTGTTCTTGGTCATTTCAGTCACTTCTAATTTCCTTGGGGGATCC[G>A]GCTCACCTAGAAGAAAAACATAATTTAGAAGATTACCTAGGTAACCTAATCAAATCCCCT-3'
Protein context (NP_001254479.2, residues 21357-21377): PVLASDPLSE[Pro21367Leu]DPPRKLEVTE